The following is an entry in ClinVar:

ClinVar aggregate classification (germline): Uncertain significance (1 of 4 stars; one submission).

gnomAD v4.1: 24 of 1,574,928 alleles (0.0015%); highest among the groups gnomAD compares: Non-Finnish European, 0.0021%; no homozygotes.

Submission:

CeGaT Center for Human Genetics Tuebingen
Classification: Uncertain significance. Last evaluated: 2024-10-01. Review status: criteria provided, single submitter. Criteria: CeGaT Center For Human Genetics Tuebingen Variant Classification Criteria Version 2. Collection method: clinical testing. Allele origin: germline. Affected: yes. Observed: 1 variant allele.
Comment: HEXB: PM2, PM3

NM_000521.4(HEXB):c.620T>C (p.Ile207Thr)

Gene: HEXB (hexosaminidase subunit beta; plus strand). Cytogenetic location: 5q13.3.
Variant type: single nucleotide variant.
Coding change: c.620T>C on transcript NM_000521.4 (MANE Select); coding-DNA position 620, T replaced by C.
Protein change: p.Ile207Thr; replaces isoleucine 207 with threonine.
Molecular consequence: missense variant. On other transcripts: 5 prime UTR variant (1).
Genome position (GRCh38, 1-based): chr5:74,697,057, T>C. VCF-style: chr5-74697057-T-C. GRCh37 (hg19) VCF-style: chr5-73992882-T-C.
Other names: c.-56T>C (NM_001292004.2); short protein forms I207T.
Identifiers: ClinVar variation 3389418 (VCV003389418.14).